The following is an entry in ClinVar:

ClinVar aggregate classification (germline): Uncertain significance (1 of 4 stars; one submission).

Conditions:
Hereditary cancer-predisposing syndrome. Also called: Neoplastic Syndromes, Hereditary; Tumor predisposition; Hereditary neoplastic syndrome; Hereditary Cancer Syndrome. Identifiers: Orphanet 140162, MedGen C0027672, MeSH D009386, MONDO:0015356.

Submission:

Ambry Genetics
Classification: Uncertain significance for Hereditary cancer-predisposing syndrome. Last evaluated: 2026-07-06. Review status: criteria provided, single submitter. Criteria: Ambry Variant Classification Scheme 2023. Collection method: clinical testing. Allele origin: germline.
Comment: The p.F462L variant (also known as c.1386T>G), located in coding exon 10 of the CDH1 gene, results from a T to G substitution at nucleotide position 1386. The phenylalanine at codon 462 is replaced by leucine, an amino acid with highly similar properties. This amino acid position is conserved. In addition, this alteration is predicted to be tolerated by in silico analysis. Based on the available evidence, the clinical significance of this variant remains unclear.

NM_004360.5(CDH1):c.1386T>G (p.Phe462Leu)

Gene: CDH1 (cadherin 1; plus strand). Cytogenetic location: 16q22.1.
Variant type: single nucleotide variant.
Coding change: c.1386T>G on transcript NM_004360.5 (MANE Select); coding-DNA position 1386, T replaced by G.
Protein change: p.Phe462Leu; replaces phenylalanine 462 with leucine.
Molecular consequence: missense variant. On other transcripts: 5 prime UTR variant (2).
Genome position (GRCh38, 1-based): chr16:68,815,580, T>G. VCF-style: chr16-68815580-T-G. GRCh37 (hg19) VCF-style: chr16-68849483-T-G.
Other names: c.1203T>G, p.Phe401Leu (NM_001317184.2); c.-163T>G (NM_001317185.2); c.-434T>G (NM_001317186.2); short protein forms F401L, F462L.
Identifiers: ClinVar variation 5033929 (VCV005033929.1).